The following is an entry in ClinVar:

NM_182643.3(DLC1):c.935C>A (p.Ala312Glu)

Gene: DLC1 (DLC1 Rho GTPase activating protein; minus strand). Cytogenetic location: 8p22.
Variant type: single nucleotide variant.
Coding change: c.935C>A on transcript NM_182643.3 (MANE Select); coding-DNA position 935, C replaced by A.
Protein change: p.Ala312Glu; replaces alanine 312 with glutamic acid.
Molecular consequence: missense variant. On other transcripts: 5 prime UTR variant (1).
Genome position (GRCh38, 1-based): chr8:13,499,137, G>T on the plus strand (C>A on the coding strand, the complement: DLC1 is on the minus strand). VCF-style: chr8-13499137-G-T. GRCh37 (hg19) VCF-style: chr8-13356646-G-T.
Other names: c.935C>A, p.Ala312Glu (NM_001348081.2, NM_001413124.1, NM_001413125.1 and 1 more transcripts); c.-517C>A (NM_001348082.2); short protein forms A312E.
Identifiers: ClinVar variation 2658435 (VCV002658435.24), dbSNP rs372017751, ClinGen allele CA4639362.

ClinVar aggregate classification (germline): Likely benign (1 of 4 stars; one submission).

Allele frequency attached by ClinVar (database versions not stated): TOPMed 0.00003; gnomAD 0.00021; 1000 Genomes Project 0.00060; 1000 Genomes Project 30x 0.00078.
gnomAD v4.1: 219 of 1,614,166 alleles (0.014%); highest among the groups gnomAD compares: South Asian, 0.18%; 1 homozygote.

Submission:

CeGaT Center for Human Genetics Tuebingen
Classification: Likely benign. Last evaluated: 2023-03-01. Review status: criteria provided, single submitter. Criteria: CeGaT Center For Human Genetics Tuebingen Variant Classification Criteria Version 2. Collection method: clinical testing. Allele origin: germline. Affected: yes. Observed: 1 variant allele.
Comment: DLC1: BP4, BS2